The following continues an entry in ClinVar:

NM_007294.4(BRCA1):c.2706_2707dup (p.Cys903fs)

Gene: BRCA1. ClinVar aggregate classification (germline): Pathogenic. Pathogenic (1).

Submissions 12 to 16 of 16:

Rady Children's Institute for Genomic Medicine, Rady Children's Hospital San Diego
Classification: Pathogenic for BREAST-OVARIAN CANCER, FAMILIAL, SUSCEPTIBILITY TO, 1. Last evaluated: 2018-11-19. Review status: criteria provided, single submitter. Criteria: ACMG Guidelines, 2015. Collection method: clinical testing. Allele origin: germline. Affected: yes. Observed: 1 variant allele. Not counted in ClinVar's aggregate classification.
Comment: This frameshifting variant in exon 10 of 24 introduces a premature stop codon and is therefore predicted to result in loss of normal protein function. This variant is reported as a pathogenic variant in a single publication (PMID: 28152038) and multiple clinical diagnostic laboratories in ClinVar have classified this variant as a pathogenic change for hereditary breast and ovarian cancer syndrome (Variation ID: 37483). It is present in the heterozygous state in the gnomAD population database at a frequency of 0.0008% (2/250830) and thus is presumed to be rare. Based on the available evidence, the c.2706_2707dup (p.Cys903TyrfsTer98) variant is classified as pathogenic.

Consortium of Investigators of Modifiers of BRCA1/2 (CIMBA), c/o University of Cambridge
Classification: Pathogenic for Breast-ovarian cancer, familial, susceptibility to, 1. Last evaluated: 2015-10-02. Review status: criteria provided, single submitter. Criteria: CIMBA Mutation Classification guidelines May 2016. Collection method: clinical testing. Allele origin: germline. Not counted in ClinVar's aggregate classification.

Counsyl
Classification: Likely pathogenic for Breast-ovarian cancer, familial, susceptibility to, 1. Last evaluated: 2015-06-03. Review status: no assertion criteria provided. Collection method: clinical testing. Allele origin: unknown. Not counted in ClinVar's aggregate classification.

Sharing Clinical Reports Project (SCRP)
Classification: Pathogenic for Breast-ovarian cancer, familial 1. Last evaluated: 2010-03-31. Review status: no assertion criteria provided. Collection method: clinical testing. Allele origin: germline. Not counted in ClinVar's aggregate classification.

Breast Cancer Information Core (BIC) (BRCA1)
Classification: Pathogenic for Breast-ovarian cancer, familial 1. Last evaluated: 2002-05-29. Review status: no assertion criteria provided. Collection method: clinical testing. Allele origin: germline. Affected: yes. Observed: 1 variant allele. Not counted in ClinVar's aggregate classification.

Literature cited by the submitters: PubMed 20104584 (cited by Labcorp Genetics (formerly Invitae), Labcorp); PubMed 31853058 (cited by Color Diagnostics, LLC DBA Color Health); PubMed 29922827 (cited by Quest Diagnostics Nichols Institute San Juan Capistrano); PubMed 31447099 (cited by Quest Diagnostics Nichols Institute San Juan Capistrano and Sema4); PubMed 29625052 (cited by 3 submitters); PubMed 29446198 (cited by Quest Diagnostics Nichols Institute San Juan Capistrano and Sema4); PubMed 28152038 (cited by Quest Diagnostics Nichols Institute San Juan Capistrano and Sema4); PubMed 16267036 (cited by Quest Diagnostics Nichols Institute San Juan Capistrano); PubMed 26295337 (cited by Quest Diagnostics Nichols Institute San Juan Capistrano).